The following is an entry in ClinVar:

NM_019023.5(PRMT7):c.77del (p.Tyr26fs)

Gene: PRMT7 (protein arginine methyltransferase 7; plus strand). Cytogenetic location: 16q22.1.
Variant type: Deletion.
Coding change: c.77del on transcript NM_019023.5 (MANE Select); coding-DNA position 77, one base deleted (A; older notation c.77delA).
Protein change: p.Tyr26fs; shifts the reading frame from tyrosine 26.
Molecular consequence: frameshift variant. On other transcripts: 5 prime UTR variant (3), non-coding transcript variant (12).
Genome position (GRCh38, 1-based): chr16:68,316,056, A deleted. VCF-style (leftmost placement, unchanged base first): chr16-68316055-TA-T. GRCh37 (hg19) VCF-style: chr16-68349958-TA-T.
Other names: c.77del, p.Tyr26fs (NM_001184824.4, NM_001290018.2, NM_001351143.3 and 2 more transcripts); c.16del, p.Thr6fs (NM_001378020.1); c.-124del (NM_001378021.1, NM_001378022.1, NM_001378023.1); short protein forms T6fs, Y26fs.
Identifiers: ClinVar variation 951784 (VCV000951784.7), dbSNP rs2081811652, ClinGen allele CA978499186.

ClinVar aggregate classification (germline): Pathogenic (1 of 4 stars; one submission).

Allele frequency attached by ClinVar (database versions not stated): gnomAD exomes below 0.00001; TOPMed below 0.00001; gnomAD 0.00001.

Submission:

Labcorp Genetics (formerly Invitae), Labcorp
Classification: Pathogenic. Last evaluated: 2019-07-03. Review status: criteria provided, single submitter. Criteria: Invitae Variant Classification Sherloc (09022015). Collection method: clinical testing. Allele origin: germline.
Comment: For these reasons, this variant has been classified as Pathogenic. Loss-of-function variants in PRMT7 are known to be pathogenic (PMID: 26437029, 27718516). This variant has not been reported in the literature in individuals with PRMT7-related conditions. This variant is not present in population databases (ExAC no frequency). This sequence change creates a premature translational stop signal (p.Tyr26Serfs*21) in the PRMT7 gene. It is expected to result in an absent or disrupted protein product.

Literature cited by the submitters: PubMed 26437029; PubMed 27718516.